The following is an entry in ClinVar:

ClinVar aggregate classification (germline): Uncertain significance. Review status: criteria provided, multiple submitters, no conflicts (2 of 4 stars). 5 submissions from 5 submitters: Uncertain significance (5). Last evaluated 2025-12-19.

Conditions:
Hereditary cancer-predisposing syndrome. Also called: Neoplastic Syndromes, Hereditary; Tumor predisposition; Hereditary neoplastic syndrome; Hereditary Cancer Syndrome. Identifiers: Orphanet 140162, MedGen C0027672, MeSH D009386, MONDO:0015356.
Familial adenomatous polyposis 1 (FAP1). Also called: FAMILIAL ADENOMATOUS POLYPOSIS 1, ATTENUATED; POLYPOSIS, ADENOMATOUS INTESTINAL. Identifiers: MedGen C2713442, MONDO:0021056, OMIM 175100. Disease mechanism: loss of function.
Classic or attenuated familial adenomatous polyposis. Identifiers: MedGen CN372698, MONDO:0021057.

Allele frequency attached by ClinVar (database versions not stated): gnomAD 0.00001; TOPMed 0.00001.
gnomAD v4.1: 6 of 1,602,150 alleles (0.00037%); highest among the groups gnomAD compares: Non-Finnish European, 0.00051%; no homozygotes.

Submissions (5):

Ambry Genetics
Classification: Uncertain significance for Hereditary cancer-predisposing syndrome. Last evaluated: 2025-12-19. Review status: criteria provided, single submitter. Criteria: Ambry Variant Classification Scheme 2023. Collection method: clinical testing. Allele origin: germline.
Comment: The p.S2794R variant (also known as c.8382C>A), located in coding exon 15 of the APC gene, results from a C to A substitution at nucleotide position 8382. The serine at codon 2794 is replaced by arginine, an amino acid with dissimilar properties. This amino acid position is highly conserved in available vertebrate species. In addition, in silico predictors for this gene do not accurately predict pathogenicity. Missense alterations in APC are not a common cause of disease (Spier I et al. Genet Med. 2024 Feb;26(2):100992). Based on the available evidence, the clinical significance of this variant remains unclear.

Labcorp Genetics (formerly Invitae), Labcorp
Classification: Uncertain significance for Familial adenomatous polyposis 1. Last evaluated: 2025-05-11. Review status: criteria provided, single submitter. Criteria: Invitae Variant Classification Sherloc (09022015). Collection method: clinical testing. Allele origin: germline.
Comment: This sequence change replaces serine, which is neutral and polar, with arginine, which is basic and polar, at codon 2794 of the APC protein (p.Ser2794Arg). This variant is not present in population databases (gnomAD no frequency). This missense change has been observed in individual(s) with pancreatic ductal adenocarcinoma (PMID: 28726808). ClinVar contains an entry for this variant (Variation ID: 411516). Invitae Evidence Modeling of protein sequence and biophysical properties (such as structural, functional, and spatial information, amino acid conservation, physicochemical variation, residue mobility, and thermodynamic stability) indicates that this missense variant is not expected to disrupt APC protein function with a negative predictive value of 95%. In summary, the available evidence is currently insufficient to determine the role of this variant in disease. Therefore, it has been classified as a Variant of Uncertain Significance.

All of Us Research Program, National Institutes of Health
Classification: Uncertain significance for Classic or attenuated familial adenomatous polyposis. Last evaluated: 2024-07-29. Review status: criteria provided, single submitter. Criteria: ACMG Guidelines, 2015. Collection method: clinical testing. Allele origin: germline. Inheritance: Autosomal dominant inheritance. Observed: 3 variant alleles, 3 heterozygotes.
Comment: This missense variant replaces serine with arginine at codon 2794 of the APC protein. Computational prediction is inconclusive regarding the impact of this variant on protein structure and function (internally defined REVEL score threshold 0.5 < inconclusive < 0.7, PMID: 27666373). To our knowledge, functional studies have not been reported for this variant. This variant has been observed in a cohort of individuals affected with pancreatic cancer (PMID: 28726808). This variant has not been identified in the general population by the Genome Aggregation Database (gnomAD). The available evidence is insufficient to determine the role of this variant in disease conclusively. Therefore, this variant is classified as a Variant of Uncertain Significance.

This study involves interpretation of variants in research participants for the purpose of population health screening. Participant phenotype was not available at the time of variant classification. Additional details can be found in publication PMID: 35346344, PMCID: PMC8962531

Color Diagnostics, LLC DBA Color Health
Classification: Uncertain significance for Hereditary cancer-predisposing syndrome. Last evaluated: 2024-07-17. Review status: criteria provided, single submitter. Criteria: ACMG Guidelines, 2015. Collection method: clinical testing. Allele origin: germline.
Comment: This missense variant replaces serine with arginine at codon 2794 of the APC protein. Computational prediction is inconclusive regarding the impact of this variant on protein structure and function (internally defined REVEL score threshold 0.5 < inconclusive < 0.7, PMID: 27666373). To our knowledge, functional studies have not been reported for this variant. This variant has been observed in a cohort of individuals affected with pancreatic cancer (PMID: 28726808). This variant has not been identified in the general population by the Genome Aggregation Database (gnomAD). The available evidence is insufficient to determine the role of this variant in disease conclusively. Therefore, this variant is classified as a Variant of Uncertain Significance.

Baylor Genetics
Classification: Uncertain significance for Familial adenomatous polyposis 1. Last evaluated: 2023-09-15. Review status: criteria provided, single submitter. Criteria: ACMG Guidelines, 2015. Collection method: clinical testing. Allele origin: unknown.

Literature cited by the submitters: PubMed 28726808 (cited by 3 submitters).

NM_000038.6(APC):c.8382C>A (p.Ser2794Arg)

Gene: APC (APC regulator of Wnt signaling pathway; plus strand). Cytogenetic location: 5q22.2.
Variant type: single nucleotide variant.
Coding change: c.8382C>A on transcript NM_000038.6 (MANE Select); coding-DNA position 8382, C replaced by A.
Protein change: p.Ser2794Arg; replaces serine 2794 with arginine.
Molecular consequence: missense variant.
Genome position (GRCh38, 1-based): chr5:112,843,976, C>A. VCF-style: chr5-112843976-C-A. GRCh37 (hg19) VCF-style: chr5-112179673-C-A.
Other names: c.8382C>A, p.Ser2794Arg (NM_001127510.3, NM_001354895.2); c.8328C>A, p.Ser2776Arg (NM_001127511.3); c.8436C>A, p.Ser2812Arg (NM_001354896.2); c.8412C>A, p.Ser2804Arg (NM_001354897.2); c.8307C>A, p.Ser2769Arg (NM_001354898.2); c.8298C>A, p.Ser2766Arg (NM_001354899.2); c.8259C>A, p.Ser2753Arg (NM_001354900.2); c.8205C>A, p.Ser2735Arg (NM_001354901.2); and 5 more; short protein forms S2776R, S2794R, S2634R, S2693R, S2703R, S2735R, S2766R, S2804R.
Identifiers: ClinVar variation 411516 (VCV000411516.24), dbSNP rs762190393, ClinGen allele CA16039525.
Genomic context (GRCh38, chr5:112,843,976, plus strand): 5'-TGGGACTGTTGCTGCCAGAGTGACTCCTTTTAATTACAACCCAAGCCCTAGGAAAAGCAG[C>A]GCAGATAGCACTTCAGCTCGGCCATCTCAGATCCCAACTCCAGTGAATAACAACACAAAG-3'
Protein context (NP_000029.2, residues 2784-2804): FNYNPSPRKS[Ser2794Arg]ADSTSARPSQ